The following is an entry in ClinVar:

NM_002860.4(ALDH18A1):c.1736A>G (p.His579Arg)

Gene: ALDH18A1 (aldehyde dehydrogenase 18 family member A1; minus strand). Cytogenetic location: 10q24.1.
Variant type: single nucleotide variant.
Coding change: c.1736A>G on transcript NM_002860.4 (MANE Select); coding-DNA position 1736, A replaced by G.
Protein change: p.His579Arg; replaces histidine 579 with arginine.
Molecular consequence: missense variant.
Genome position (GRCh38, 1-based): chr10:95,614,031, T>C on the plus strand (A>G on the coding strand, the complement: ALDH18A1 is on the minus strand). VCF-style: chr10-95614031-T-C. GRCh37 (hg19) VCF-style: chr10-97373788-T-C.
Other names: c.1730A>G, p.His577Arg (NM_001017423.2, NM_001323415.2); c.1403A>G, p.His468Arg (NM_001323412.2, NM_001323416.2); c.1736A>G, p.His579Arg (NM_001323413.2, NM_001323414.2); c.1631A>G, p.His544Arg (NM_001323417.2); c.1397A>G, p.His466Arg (NM_001323418.2); c.1100A>G, p.His367Arg (NM_001323419.2); short protein forms H466R, H367R, H468R, H577R, H544R, H579R.
Identifiers: ClinVar variation 4787739 (VCV004787739.1).

ClinVar aggregate classification (germline): Uncertain significance (1 of 4 stars; one submission).

Conditions:
Cutis laxa, autosomal dominant 3 (ADCL3). Identifiers: Orphanet 90348, MedGen C4225268, MONDO:0014706, OMIM 616603.
Autosomal dominant spastic paraplegia type 9. Identifiers: MedGen C1832669, MONDO:0015091.
de Barsy syndrome. Also called: Cutis laxa-corneal clouding-oligophrenia syndrome. Identifiers: Orphanet 2962, MedGen C0268354, MONDO:0017569.

gnomAD v4.1: 3 of 1,614,116 alleles (0.00019%); highest among the groups gnomAD compares: Admixed American, 0.0033%; no homozygotes.

Submission:

Labcorp Genetics (formerly Invitae), Labcorp
Classification: Uncertain significance for Autosomal dominant spastic paraplegia type 9; de Barsy syndrome; Cutis laxa, autosomal dominant 3. Last evaluated: 2025-12-29. Review status: criteria provided, single submitter. Criteria: Invitae Variant Classification Sherloc (09022015). Collection method: clinical testing. Allele origin: germline.
Comment: This sequence change replaces histidine, which is basic and polar, with arginine, which is basic and polar, at codon 579 of the ALDH18A1 protein (p.His579Arg). This variant is present in population databases (no rsID available, gnomAD 0.003%). This variant has not been reported in the literature in individuals affected with ALDH18A1-related conditions. Invitae Evidence Modeling of protein sequence and biophysical properties (such as structural, functional, and spatial information, amino acid conservation, physicochemical variation, residue mobility, and thermodynamic stability) indicates that this missense variant is expected to disrupt ALDH18A1 protein function with a positive predictive value of 95%. In summary, the available evidence is currently insufficient to determine the role of this variant in disease. Therefore, it has been classified as a Variant of Uncertain Significance.